The following is an entry in ClinVar:

ClinVar aggregate classification (germline): Uncertain significance. Review status: criteria provided, multiple submitters, no conflicts (2 of 4 stars). 2 submissions from 2 submitters: Uncertain significance (2). Last evaluated 2025-08-30.

Allele frequency attached by ClinVar (database versions not stated): TOPMed 0.00002; gnomAD exomes 0.00006 and 0.00003; gnomAD 0.00004 and 0.00003; ExAC 0.00007; ESP Exome Variant Server 0.00008.
gnomAD v4.1: 49 of 1,613,824 alleles (0.003%); highest among the groups gnomAD compares: South Asian, 0.026%; no homozygotes.

Submissions (2):

Mayo Clinic Laboratories, Mayo Clinic
Classification: Uncertain significance. Last evaluated: 2025-08-30. Review status: criteria provided, single submitter. Criteria: ACMG Guidelines, 2015. Collection method: clinical testing. Allele origin: germline. Observed: 1 variant allele.
Comment: BP4_moderate

Labcorp Genetics (formerly Invitae), Labcorp
Classification: Uncertain significance. Last evaluated: 2021-08-14. Review status: criteria provided, single submitter. Criteria: Invitae Variant Classification Sherloc (09022015). Collection method: clinical testing. Allele origin: germline.
Comment: This sequence change replaces arginine with glutamine at codon 1314 of the MCM3AP protein (p.Arg1314Gln). The arginine residue is weakly conserved and there is a small physicochemical difference between arginine and glutamine. This variant is present in population databases (rs372885815, ExAC 0.02%). This variant has not been reported in the literature in individuals affected with MCM3AP-related conditions. Algorithms developed to predict the effect of missense changes on protein structure and function output the following: SIFT: "Tolerated"; PolyPhen-2: "Benign"; Align-GVGD: "Class C0". The glutamine amino acid residue is found in multiple mammalian species, which suggests that this missense change does not adversely affect protein function. In summary, the available evidence is currently insufficient to determine the role of this variant in disease. Therefore, it has been classified as a Variant of Uncertain Significance.

NM_003906.5(MCM3AP):c.3941G>A (p.Arg1314Gln)

Gene: MCM3AP (minichromosome maintenance complex component 3 associated protein; minus strand). Cytogenetic location: 21q22.3.
Variant type: single nucleotide variant.
Coding change: c.3941G>A on transcript NM_003906.5 (MANE Select); coding-DNA position 3941, G replaced by A.
Protein change: p.Arg1314Gln; replaces arginine 1314 with glutamine.
Molecular consequence: missense variant.
Genome position (GRCh38, 1-based): chr21:46,254,836, C>T on the plus strand (G>A on the coding strand, the complement: MCM3AP is on the minus strand). VCF-style: chr21-46254836-C-T. GRCh37 (hg19) VCF-style: chr21-47674750-C-T.
Other names: p.Arg1314Gln; short protein forms R1314Q.
Identifiers: ClinVar variation 1399489 (VCV001399489.6), dbSNP rs372885815, ClinGen allele CA10076308.